The following is an entry in ClinVar:

ClinVar aggregate classification (germline): Uncertain significance. Review status: criteria provided, multiple submitters, no conflicts (2 of 4 stars). 2 submissions from 2 submitters: Uncertain significance (2). Last evaluated 2024-04-27.

Conditions:
Juvenile polyposis syndrome (JPS). Identifiers: Orphanet 2929, MedGen C0345893, MONDO:0017380, OMIM 174900.
Juvenile polyposis/hereditary hemorrhagic telangiectasia syndrome (JPHT). Also called: Juvenile Polyposis Syndrome / Hereditary Hemorrhagic Telangiectasia (JPS/HHT); JP/HHT SYNDROME; JUVENILE POLYPOSIS WITH HEREDITARY HEMORRHAGIC TELANGIECTASIA; POLYPOSIS, GENERALIZED JUVENILE, WITH PULMONARY ARTERIOVENOUS MALFORMATION; TELANGIECTASIA, HEREDITARY HEMORRHAGIC, WITH JUVENILE POLYPOSIS COLI. Identifiers: Orphanet 2929, MedGen C1832942, MONDO:0008278, OMIM 175050.

Submissions (2):

Labcorp Genetics (formerly Invitae), Labcorp
Classification: Uncertain significance for Juvenile polyposis syndrome. Last evaluated: 2024-04-27. Review status: criteria provided, single submitter. Criteria: Invitae Variant Classification Sherloc (09022015). Collection method: clinical testing. Allele origin: germline.
Comment: This sequence change replaces valine, which is neutral and non-polar, with isoleucine, which is neutral and non-polar, at codon 397 of the SMAD4 protein (p.Val397Ile). This variant is not present in population databases (gnomAD no frequency). This variant has not been reported in the literature in individuals affected with SMAD4-related conditions. ClinVar contains an entry for this variant (Variation ID: 1428629). Advanced modeling of protein sequence and biophysical properties (such as structural, functional, and spatial information, amino acid conservation, physicochemical variation, residue mobility, and thermodynamic stability) has been performed at Invitae for this missense variant, however the output from this modeling did not meet the statistical confidence thresholds required to predict the impact of this variant on SMAD4 protein function. In summary, the available evidence is currently insufficient to determine the role of this variant in disease. Therefore, it has been classified as a Variant of Uncertain Significance.

All of Us Research Program, National Institutes of Health
Classification: Uncertain significance for Juvenile polyposis/hereditary hemorrhagic telangiectasia syndrome. Last evaluated: 2024-01-11. Review status: criteria provided, single submitter. Criteria: ACMG Guidelines, 2015. Collection method: clinical testing. Allele origin: germline. Inheritance: Autosomal dominant inheritance. Observed: 1 variant allele, 1 heterozygote.
Comment: This study involves interpretation of variants in research participants for the purpose of population health screening. Participant phenotype was not available at the time of variant classification. Additional details can be found in publication PMID: 35346344, PMCID: PMC8962531

NM_005359.6(SMAD4):c.1189G>A (p.Val397Ile)

Gene: SMAD4 (SMAD family member 4; plus strand). Cytogenetic location: 18q21.2.
Variant type: single nucleotide variant.
Coding change: c.1189G>A on transcript NM_005359.6 (MANE Select); coding-DNA position 1189, G replaced by A.
Protein change: p.Val397Ile; replaces valine 397 with isoleucine.
Molecular consequence: missense variant.
Genome position (GRCh38, 1-based): chr18:51,067,068, G>A. VCF-style: chr18-51067068-G-A. GRCh37 (hg19) VCF-style: chr18-48593438-G-A.
Other names: short protein forms V397I.
Identifiers: ClinVar variation 1428629 (VCV001428629.9), dbSNP rs2144452046, ClinGen allele CA402464814.